The following is an entry in ClinVar:

NM_016459.4(MZB1):c.25C>T (p.Leu9=)

Genes: MZB1 (marginal zone B and B1 cell specific protein; minus strand), LOC129994763 (ATAC-STARR-seq lymphoblastoid active region 23225; plus strand). Cytogenetic location: 5q31.2.
Variant type: single nucleotide variant.
Coding change: c.25C>T on transcript NM_016459.4 (MANE Select); coding-DNA position 25, C replaced by T.
Protein change: p.Leu9=; no amino-acid change (leucine 9 retained).
Molecular consequence: synonymous variant.
Genome position (GRCh38, 1-based): chr5:139,389,832, G>A on the plus strand (C>T on the coding strand, the complement: MZB1 is on the minus strand). VCF-style: chr5-139389832-G-A. GRCh37 (hg19) VCF-style: chr5-138725521-G-A.
Identifiers: ClinVar variation 2655731 (VCV002655731.24), dbSNP rs138971367, ClinGen allele CA3434532.
Genomic context (GRCh38, chr5:139,389,832, plus strand): 5'-CTGTGAGTGGCGCCCTGTCCCCGAGGCCCCCTGGGATGGCCCAGGCTCCCAGCAGCAGCA[G>A]CAGCAGTGGCAGTGACAGCCTCATGGCCCCAGGAGCCAGTTCAGCAAGTGTAGTCTGTGG-3'
Protein context (NP_057543.2, residues 1-19): MRLSLPLL[Leu9=]LLLGAWAIPG

ClinVar aggregate classification (germline): Likely benign (1 of 4 stars; one submission).

Allele frequency attached by ClinVar (database versions not stated): TOPMed 0.00235; gnomAD 0.00289; ESP Exome Variant Server 0.00294; 1000 Genomes Project 30x 0.00109; 1000 Genomes Project 0.00120; ExAC 0.00172; gnomAD exomes 0.00398.
gnomAD v4.1: 5,942 of 1,547,886 alleles (0.38%); highest among the groups gnomAD compares: Non-Finnish European, 0.46%; 21 homozygotes.

Submission:

CeGaT Center for Human Genetics Tuebingen
Classification: Likely benign. Last evaluated: 2023-03-01. Review status: criteria provided, single submitter. Criteria: CeGaT Center For Human Genetics Tuebingen Variant Classification Criteria Version 2. Collection method: clinical testing. Allele origin: germline. Affected: yes. Observed: 1 variant allele.
Comment: MZB1: BP4, BP7